The following is an entry in ClinVar:

NM_032387.5(WNK4):c.1259+4G>A

Gene: WNK4 (WNK lysine deficient protein kinase 4; plus strand). Cytogenetic location: 17q21.2.
Variant type: single nucleotide variant.
Coding change: c.1259+4G>A on transcript NM_032387.5 (MANE Select); 4 bases into the intron after coding-DNA position 1259, G replaced by A.
Molecular consequence: intron variant.
Genome position (GRCh38, 1-based): chr17:42,785,189, G>A. VCF-style: chr17-42785189-G-A. GRCh37 (hg19) VCF-style: chr17-40937207-G-A.
Other names: p.?; c.252-77G>A (NM_001321299.2).
Identifiers: ClinVar variation 4684219 (VCV004684219.2).

ClinVar aggregate classification (germline): Conflicting classifications of pathogenicity. Review status: criteria provided, conflicting classifications (1 of 4 stars). 2 submissions from 2 submitters: Uncertain significance (1); Likely benign (1). Last evaluated 2025-07-06.

gnomAD v4.1: 5 of 1,613,504 alleles (0.00031%); highest among the groups gnomAD compares: East Asian, 0.011%; no homozygotes.

Submissions (2):

Labcorp Genetics (formerly Invitae), Labcorp
Classification: Uncertain significance. Last evaluated: 2025-07-06. Review status: criteria provided, single submitter. Criteria: Invitae Variant Classification Sherloc (09022015). Collection method: clinical testing. Allele origin: germline.
Comment: This sequence change falls in intron 5 of the WNK4 gene. It does not directly change the encoded amino acid sequence of the WNK4 protein. It affects a nucleotide within the consensus splice site. This variant is present in population databases (rs201557431, gnomAD 0.02%). This variant has not been reported in the literature in individuals affected with WNK4-related conditions. Variants that disrupt the consensus splice site are a relatively common cause of aberrant splicing (PMID: 17576681, 9536098). Algorithms developed to predict the effect of sequence changes on RNA splicing suggest that this variant is not likely to affect RNA splicing. In summary, the available evidence is currently insufficient to determine the role of this variant in disease. Therefore, it has been classified as a Variant of Uncertain Significance.

Mayo Clinic Laboratories, Mayo Clinic
Classification: Likely benign. Last evaluated: 2025-02-18. Review status: criteria provided, single submitter. Criteria: ACMG Guidelines, 2015. Collection method: clinical testing. Allele origin: germline. Observed: 1 variant allele.
Comment: BP4, BP7

Literature cited by the submitters: PubMed 17576681 (cited by Labcorp Genetics (formerly Invitae), Labcorp); PubMed 9536098 (cited by Labcorp Genetics (formerly Invitae), Labcorp).